The following is an entry in ClinVar:

ClinVar aggregate classification (germline): Likely benign. Review status: criteria provided, single submitter (1 of 4 stars). 2 submissions from 2 submitters: Likely benign (1). 1 of the submissions does not count toward it. Last evaluated 2025-10-15.

Conditions:
ITPR1-related disorder. Also called: ITPR1-related condition.

Allele frequency attached by ClinVar (database versions not stated): gnomAD 0.00002; ExAC 0.00003; gnomAD exomes 0.00003; TOPMed 0.00003.
gnomAD v4.1: 82 of 1,585,448 alleles (0.0052%); highest among the groups gnomAD compares: Middle Eastern, 0.034%; no homozygotes.

Submissions (2):

Labcorp Genetics (formerly Invitae), Labcorp
Classification: Likely benign. Last evaluated: 2025-10-15. Review status: criteria provided, single submitter. Criteria: Invitae Variant Classification Sherloc (09022015). Collection method: clinical testing. Allele origin: germline.

PreventionGenetics, part of Exact Sciences
Classification: Likely benign for ITPR1-related condition. Last evaluated: 2022-05-06. Review status: no assertion criteria provided. Collection method: clinical testing. Allele origin: germline. Not counted in ClinVar's aggregate classification.
Comment: This variant is classified as likely benign based on ACMG/AMP sequence variant interpretation guidelines (Richards et al. 2015 PMID: 25741868, with internal and published modifications).

NM_001378452.1(ITPR1):c.8175G>A (p.Ser2725=)

Gene: ITPR1 (inositol 1,4,5-trisphosphate receptor type 1; plus strand). Cytogenetic location: 3p26.1.
Variant type: single nucleotide variant.
Coding change: c.8175G>A on transcript NM_001378452.1 (MANE Select); coding-DNA position 8175, G replaced by A.
Protein change: p.Ser2725=; no amino-acid change (serine 2725 retained).
Molecular consequence: synonymous variant.
Genome position (GRCh38, 1-based): chr3:4,836,920, G>A. VCF-style: chr3-4836920-G-A. GRCh37 (hg19) VCF-style: chr3-4878604-G-A.
Other names: c.8031G>A, p.Ser2677= (NM_001099952.4); c.8130G>A, p.Ser2710= (NM_001168272.2); c.7986G>A, p.Ser2662= (NM_002222.7); c.7986G>A (NM_002222.5).
Identifiers: ClinVar variation 1594934 (VCV001594934.10), dbSNP rs767821093, ClinGen allele CA2233088.